The following is an entry in ClinVar:

NM_014679.5(CEP57):c.273A>T (p.Glu91Asp)

Gene: CEP57 (centrosomal protein 57; plus strand). Cytogenetic location: 11q21.
Variant type: single nucleotide variant.
Coding change: c.273A>T on transcript NM_014679.5 (MANE Select); coding-DNA position 273, A replaced by T.
Protein change: p.Glu91Asp; replaces glutamic acid 91 with aspartic acid.
Molecular consequence: missense variant.
Genome position (GRCh38, 1-based): chr11:95,813,002, A>T. VCF-style: chr11-95813002-A-T. GRCh37 (hg19) VCF-style: chr11-95546166-A-T.
Other names: c.246A>T, p.Glu82Asp (NM_001243776.2); c.273A>T, p.Glu91Asp (NM_001243777.2); c.192A>T, p.Glu64Asp (NM_001363604.2); short protein forms E91D, E64D, E82D.
Identifiers: ClinVar variation 4001021 (VCV004001021.1).

ClinVar aggregate classification (germline): Uncertain significance (1 of 4 stars; one submission).

Conditions:
Inborn genetic diseases. Identifiers: MedGen C0950123, MeSH D030342.

Submission:

Ambry Genetics
Classification: Uncertain significance for Inborn genetic diseases. Last evaluated: 2025-04-24. Review status: criteria provided, single submitter. Criteria: Ambry Variant Classification Scheme 2023. Collection method: clinical testing. Allele origin: germline.
Comment: The p.E91D variant (also known as c.273A>T), located in coding exon 3 of the CEP57 gene, results from an A to T substitution at nucleotide position 273. The glutamic acid at codon 91 is replaced by aspartic acid, an amino acid with highly similar properties. This amino acid position is conserved. In addition, the in silico prediction for this alteration is inconclusive. Based on the available evidence, the clinical significance of this variant remains unclear.